The following is an entry in ClinVar:

NM_000368.5(TSC1):c.3305G>A (p.Ser1102Asn)

Gene: TSC1 (TSC complex subunit 1; minus strand). Cytogenetic location: 9q34.13.
Variant type: single nucleotide variant.
Coding change: c.3305G>A on transcript NM_000368.5 (MANE Select); coding-DNA position 3305, G replaced by A.
Protein change: p.Ser1102Asn; replaces serine 1102 with asparagine.
Molecular consequence: missense variant.
Genome position (GRCh38, 1-based): chr9:132,896,425, C>T on the plus strand (G>A on the coding strand, the complement: TSC1 is on the minus strand). VCF-style: chr9-132896425-C-T. GRCh37 (hg19) VCF-style: chr9-135771812-C-T.
Other names: c.3302G>A, p.Ser1101Asn (NM_001162426.2); c.3152G>A, p.Ser1051Asn (NM_001162427.2); c.2942G>A, p.Ser981Asn (NM_001362177.2); short protein forms S1051N, S1102N, S1101N, S981N.
Identifiers: ClinVar variation 662169 (VCV000662169.14), dbSNP rs1263464680, ClinGen allele CA375366663.
Genomic context (GRCh38, chr9:132,896,425, plus strand): 5'-CCCAGTTCTGTCTTTAGGCTCTCAGAAAGGCTACTGGTCATGCCGTCCTCATCACACTGG[C>T]TCTCGCTCTTATTACGAAATAACTCTCGAGCCTTCATACCCAGGAAGCTTTTTGAACTGG-3'
Protein context (NP_000359.1, residues 1092-1112): ARELFRNKSE[Ser1102Asn]QCDEDGMTSS

ClinVar aggregate classification (germline): Conflicting classifications of pathogenicity. Review status: criteria provided, conflicting classifications (1 of 4 stars). 4 submissions from 4 submitters: Uncertain significance (3); Likely benign (1). Last evaluated 2025-03-05.

Conditions:
Tuberous sclerosis 1 (TSC1). Identifiers: Orphanet 805, MedGen C1854465, MONDO:0008612, OMIM 191100.
Hereditary cancer-predisposing syndrome. Also called: Neoplastic Syndromes, Hereditary; Hereditary neoplastic syndrome; Tumor predisposition; Hereditary Cancer Syndrome. Identifiers: Orphanet 140162, MedGen C0027672, MeSH D009386, MONDO:0015356.

gnomAD v4.1: 1 of 1,614,228 alleles (0.000062%); highest among the groups gnomAD compares: African/African-American, 0.0013%; no homozygotes.

Submissions (4):

Labcorp Genetics (formerly Invitae), Labcorp
Classification: Likely benign for Tuberous sclerosis 1. Last evaluated: 2025-03-05. Review status: criteria provided, single submitter. Criteria: Invitae Variant Classification Sherloc (09022015). Collection method: clinical testing. Allele origin: germline.

Genome-Nilou Lab
Classification: Uncertain significance for Tuberous sclerosis 1. Last evaluated: 2021-11-07. Review status: criteria provided, single submitter. Criteria: ACMG Guidelines, 2015. Collection method: clinical testing. Allele origin: germline. Affected: no.

GeneDx
Classification: Uncertain significance. Last evaluated: 2020-09-18. Review status: criteria provided, single submitter. Criteria: GeneDx Variant Classification Process June 2021. Collection method: clinical testing. Allele origin: germline. Affected: yes.
Comment: In silico analysis supports that this missense variant does not alter protein structure/function; Has not been previously published as pathogenic or benign to our knowledge

Ambry Genetics
Classification: Uncertain significance for Hereditary cancer-predisposing syndrome. Last evaluated: 2020-02-27. Review status: criteria provided, single submitter. Criteria: Ambry Variant Classification Scheme 2023. Collection method: clinical testing. Allele origin: germline.
Comment: The p.S1102N variant (also known as c.3305G>A), located in coding exon 21 of the TSC1 gene, results from a G to A substitution at nucleotide position 3305. The serine at codon 1102 is replaced by asparagine, an amino acid with highly similar properties. This amino acid position is highly conserved in available vertebrate species. In addition, this alteration is predicted to be tolerated by in silico analysis. Since supporting evidence is limited at this time, the clinical significance of this alteration remains unclear.